The following is an entry in ClinVar:

NM_023036.6(DNAI2):c.468-2A>G

Gene: DNAI2 (dynein axonemal intermediate chain 2; plus strand). Cytogenetic location: 17q25.1.
Variant type: single nucleotide variant.
Coding change: c.468-2A>G on transcript NM_023036.6 (MANE Select); the canonical splice acceptor site of the intron before coding-DNA position 468, A replaced by G.
Molecular consequence: splice acceptor variant.
Genome position (GRCh38, 1-based): chr17:74,289,592, A>G. VCF-style: chr17-74289592-A-G. GRCh37 (hg19) VCF-style: chr17-72285731-A-G.
Other names: c.468-2A>G (NM_001353167.2, NM_001172810.3).
Identifiers: ClinVar variation 1066398 (VCV001066398.7), dbSNP rs2143940594, ClinGen allele CA400905684.

ClinVar aggregate classification (germline): Likely pathogenic (1 of 4 stars; one submission).

Conditions:
Primary ciliary dyskinesia. Also called: Ciliary dyskinesia. Identifiers: Orphanet 244, MedGen C0008780, MONDO:0016575, HP:0012265.

Submission:

Labcorp Genetics (formerly Invitae), Labcorp
Classification: Likely pathogenic for Primary ciliary dyskinesia. Last evaluated: 2020-05-20. Review status: criteria provided, single submitter. Criteria: Invitae Variant Classification Sherloc (09022015). Collection method: clinical testing. Allele origin: germline.
Comment: Donor and acceptor splice site variants typically lead to a loss of protein function (PMID: 16199547), and loss-of-function variants in DNAI2 are known to be pathogenic (PMID: 18950741, 23891469). In summary, the currently available evidence indicates that the variant is pathogenic, but additional data are needed to prove that conclusively. Therefore, this variant has been classified as Likely Pathogenic. Algorithms developed to predict the effect of sequence changes on RNA splicing suggest that this variant may disrupt the consensus splice site, but this prediction has not been confirmed by published transcriptional studies. This variant has not been reported in the literature in individuals with DNAI2-related conditions. This variant is not present in population databases (ExAC no frequency). This sequence change affects an acceptor splice site in intron 4 of the DNAI2 gene. It is expected to disrupt RNA splicing and likely results in an absent or disrupted protein product.

Literature cited by the submitters: PubMed 16199547; PubMed 18950741; PubMed 23891469.